The following is an entry in ClinVar:

NM_000540.3(RYR1):c.1604A>G (p.Asn535Ser)

Gene: RYR1 (ryanodine receptor 1; plus strand). Cytogenetic location: 19q13.2.
Variant type: single nucleotide variant.
Coding change: c.1604A>G on transcript NM_000540.3 (MANE Select); coding-DNA position 1604, A replaced by G.
Protein change: p.Asn535Ser; replaces asparagine 535 with serine.
Molecular consequence: missense variant.
Genome position (GRCh38, 1-based): chr19:38,455,478, A>G. VCF-style: chr19-38455478-A-G. GRCh37 (hg19) VCF-style: chr19-38946118-A-G.
Other names: c.1604A>G, p.Asn535Ser (NM_001042723.2); short protein forms N535S.
Identifiers: ClinVar variation 3071436 (VCV003071436.4), dbSNP rs1354719799, ClinGen allele CA405689804.
Genomic context (GRCh38, chr19:38,455,478, plus strand): 5'-TCCTATTGGATCTGACACCTCTTCCCCCCTCAGCTTCTCTAATCCGTGGCAATCGTAGCA[A>G]CTGTGCCCTCTTCTCCACAAACTTGGACTGGCTGGTCAGCAAGCTGGATCGGCTGGAGGC-3'
Protein context (NP_000531.2, residues 525-545): LASLIRGNRS[Asn535Ser]CALFSTNLDW

ClinVar aggregate classification (germline): Uncertain significance. Review status: criteria provided, multiple submitters, no conflicts (2 of 4 stars). 3 submissions from 3 submitters: Uncertain significance (3). Last evaluated 2025-08-31.

Conditions:
Central core myopathy (CMYO1A). Also called: CONGENITAL MYOPATHY 1A, AUTOSOMAL DOMINANT, WITH SUSCEPTIBILITY TO MALIGNANT HYPERTHERMIA; Central core disease; Myopathy, central fibrillar. Identifiers: Orphanet 597, MedGen C5830701, MONDO:0007294, OMIM 117000.
Malignant hyperthermia, susceptibility to, 1 (MHS1). Also called: RYR1-Related Malignant Hyperthermia Susceptibility; Anesthesia related hyperthermia; Malignant hyperpyrexia; Fulminating hyperpyrexia; Pharmacogenic myopathy; Malignant hyperthermia suceptibility 1. Identifiers: Orphanet 423, MedGen C2930980, MONDO:0007783, OMIM 145600.
Congenital multicore myopathy with external ophthalmoplegia (CMYO1B). Also called: Congenital myopathy 1B, autosomal recessive; Minicore myopathy; MULTICORE MYOPATHY; Minicore myopathy with external ophthalmoplegia; MULTIMINICORE DISEASE WITH EXTERNAL OPHTHALMOPLEGIA. Identifiers: Orphanet 598, Orphanet 98905, MedGen C1850674, MONDO:0009712, OMIM 255320, HP:0003789.
King Denborough syndrome (KDS). Identifiers: MedGen C1840365, MONDO:0020485, OMIM 619542.
RYR1-related disorder. Also called: RYR1-related condition; RYR1-related disorders. Identifiers: MedGen CN239331.

Allele frequency attached by ClinVar (database versions not stated): TOPMed below 0.00001; gnomAD 0.00001.

Submissions (3):

Labcorp Genetics (formerly Invitae), Labcorp
Classification: Uncertain significance for RYR1-related disorder. Last evaluated: 2025-08-31. Review status: criteria provided, single submitter. Criteria: Invitae Variant Classification Sherloc (09022015). Collection method: clinical testing. Allele origin: germline.
Comment: This sequence change replaces asparagine, which is neutral and polar, with serine, which is neutral and polar, at codon 535 of the RYR1 protein (p.Asn535Ser). This variant is present in population databases (no rsID available, gnomAD 0.02%). This variant has not been reported in the literature in individuals affected with RYR1-related conditions. ClinVar contains an entry for this variant (Variation ID: 3071436). Invitae Evidence Modeling of protein sequence and biophysical properties (such as structural, functional, and spatial information, amino acid conservation, physicochemical variation, residue mobility, and thermodynamic stability) indicates that this missense variant is expected to disrupt RYR1 protein function with a positive predictive value of 95%. In summary, the available evidence is currently insufficient to determine the role of this variant in disease. Therefore, it has been classified as a Variant of Uncertain Significance.

All of Us Research Program, National Institutes of Health
Classification: Uncertain significance for Malignant hyperthermia, susceptibility to, 1. Last evaluated: 2024-01-11. Review status: criteria provided, single submitter. Criteria: ACMG Guidelines, 2015. Collection method: clinical testing. Allele origin: germline. Inheritance: Autosomal dominant inheritance. Observed: 2 variant alleles, 2 heterozygotes.
Comment: This study involves interpretation of variants in research participants for the purpose of population health screening. Participant phenotype was not available at the time of variant classification. Additional details can be found in publication PMID: 35346344, PMCID: PMC8962531

Juno Genomics, Hangzhou Juno Genomics, Inc
Classification: Uncertain significance for Central core myopathy; Congenital multicore myopathy with external ophthalmoplegia; Malignant hyperthermia, susceptibility to, 1; King Denborough syndrome. Review status: criteria provided, single submitter. Criteria: ACMG Guidelines, 2015. Collection method: clinical testing. Allele origin: germline.
Comment: Absent from controls (or at extremely low frequency if recessive) in Genome Aggregation Database.;Missense variant in a gene that has a low rate of benign missense variation.;Multiple lines of computational evidence support a deleterious effect on the gene or gene product.